The following is an entry in ClinVar:

ClinVar aggregate classification (germline): Uncertain significance. Review status: criteria provided, multiple submitters, no conflicts (2 of 4 stars). 3 submissions from 3 submitters: Uncertain significance (3). Last evaluated 2025-08-28.

Allele frequency attached by ClinVar (database versions not stated): gnomAD 0.00002; gnomAD exomes 0.00003 and 0.00006; TOPMed 0.00003; ExAC 0.00005.
gnomAD v4.1: 52 of 1,613,392 alleles (0.0032%); highest among the groups gnomAD compares: Admixed American, 0.022%; no homozygotes.

Submissions (3):

Ambry Genetics
Classification: Uncertain significance. Last evaluated: 2025-08-28. Review status: criteria provided, single submitter. Criteria: Ambry Variant Classification Scheme 2023. Collection method: clinical testing. Allele origin: germline.

Labcorp Genetics (formerly Invitae), Labcorp
Classification: Uncertain significance. Last evaluated: 2024-12-24. Review status: criteria provided, single submitter. Criteria: Invitae Variant Classification Sherloc (09022015). Collection method: clinical testing. Allele origin: germline.
Comment: This sequence change replaces arginine, which is basic and polar, with histidine, which is basic and polar, at codon 153 of the ZNF513 protein (p.Arg153His). This variant is present in population databases (rs768157988, gnomAD 0.03%). This variant has not been reported in the literature in individuals affected with ZNF513-related conditions. ClinVar contains an entry for this variant (Variation ID: 1486993). An algorithm developed to predict the effect of missense changes on protein structure and function (PolyPhen-2) suggests that this variant is likely to be disruptive. In summary, the available evidence is currently insufficient to determine the role of this variant in disease. Therefore, it has been classified as a Variant of Uncertain Significance.

Blueprint Genetics
Classification: Uncertain significance. Last evaluated: 2023-04-26. Review status: criteria provided, single submitter. Criteria: ACMG Guidelines, 2015. Collection method: clinical testing. Allele origin: germline.

NM_144631.6(ZNF513):c.458G>A (p.Arg153His)

Gene: ZNF513 (zinc finger protein 513; minus strand). Cytogenetic location: 2p23.3.
Variant type: single nucleotide variant.
Coding change: c.458G>A on transcript NM_144631.6 (MANE Select); coding-DNA position 458, G replaced by A.
Protein change: p.Arg153His; replaces arginine 153 with histidine.
Molecular consequence: missense variant.
Genome position (GRCh38, 1-based): chr2:27,378,808, C>T on the plus strand (G>A on the coding strand, the complement: ZNF513 is on the minus strand). VCF-style: chr2-27378808-C-T. GRCh37 (hg19) VCF-style: chr2-27601675-C-T.
Other names: c.458G>A (NM_144631.5); c.272G>A, p.Arg91His (NM_001201459.2); short protein forms R153H, R91H.
Identifiers: ClinVar variation 1486993 (VCV001486993.8), dbSNP rs768157988, ClinGen allele CA1578050.